The following is an entry in ClinVar:

NM_000484.4(APP):c.2004A>G (p.Glu668=)

Gene: APP (amyloid beta precursor protein; minus strand). Cytogenetic location: 21q21.3.
Variant type: single nucleotide variant.
Coding change: c.2004A>G on transcript NM_000484.4 (MANE Select); coding-DNA position 2004, A replaced by G.
Protein change: p.Glu668=; no amino-acid change (glutamic acid 668 retained).
Molecular consequence: synonymous variant.
Genome position (GRCh38, 1-based): chr21:25,897,633, T>C on the plus strand (A>G on the coding strand, the complement: APP is on the minus strand). VCF-style: chr21-25897633-T-C. GRCh37 (hg19) VCF-style: chr21-27269945-T-C.
Other names: c.1932A>G, p.Glu644= (NM_001136016.3); c.1611A>G, p.Glu537= (NM_001136129.3); c.1836A>G, p.Glu612= (NM_001136130.3, NM_001385253.1); c.1674A>G, p.Glu558= (NM_001136131.3); c.1950A>G, p.Glu650= (NM_001204301.2); c.1893A>G, p.Glu631= (NM_001204302.2); c.1725A>G, p.Glu575= (NM_001204303.2); c.1947A>G, p.Glu649= (NM_201413.3); and 1 more.
Identifiers: ClinVar variation 746190 (VCV000746190.14), dbSNP rs1459466429, ClinGen allele CA511686251.

ClinVar aggregate classification (germline): Likely benign. Review status: criteria provided, multiple submitters, no conflicts (2 of 4 stars). 2 submissions from 2 submitters: Likely benign (2). Last evaluated 2025-07-01.

Conditions:
Alzheimer disease. Also called: Alzheimer's disease; Presenile and senile dementia. Identifiers: Orphanet 1020, MedGen C0002395, MeSH D000544, MONDO:0004975, HP:0002511.

Allele frequency attached by ClinVar (database versions not stated): gnomAD 0.00001; gnomAD exomes 0.00001 and 0.00003; TOPMed 0.00001.
gnomAD v4.1: 41 of 1,613,922 alleles (0.0025%); highest among the groups gnomAD compares: Admixed American, 0.0033%; no homozygotes.

Submissions (2):

CeGaT Center for Human Genetics Tuebingen
Classification: Likely benign. Last evaluated: 2025-07-01. Review status: criteria provided, single submitter. Criteria: CeGaT Center For Human Genetics Tuebingen Variant Classification Criteria Version 2. Collection method: clinical testing. Allele origin: germline. Affected: yes. Observed: 1 variant allele.
Comment: APP: BP4, BP7

Labcorp Genetics (formerly Invitae), Labcorp
Classification: Likely benign for Alzheimer disease. Last evaluated: 2023-10-13. Review status: criteria provided, single submitter. Criteria: Invitae Variant Classification Sherloc (09022015). Collection method: clinical testing. Allele origin: germline.